The following is an entry in ClinVar:

NM_022132.5(MCCC2):c.815T>G (p.Val272Gly)

Gene: MCCC2 (methylcrotonyl-CoA carboxylase subunit 2; plus strand). Cytogenetic location: 5q13.2.
Variant type: single nucleotide variant.
Coding change: c.815T>G on transcript NM_022132.5 (MANE Select); coding-DNA position 815, T replaced by G.
Protein change: p.Val272Gly; replaces valine 272 with glycine.
Molecular consequence: missense variant.
Genome position (GRCh38, 1-based): chr5:71,634,954, T>G. VCF-style: chr5-71634954-T-G. GRCh37 (hg19) VCF-style: chr5-70930781-T-G.
Other names: c.701T>G, p.Val234Gly (NM_001363147.1); short protein forms V272G, V234G.
Identifiers: ClinVar variation 499398 (VCV000499398.16), dbSNP rs1199145486, ClinGen allele CA359986148.
Genomic context (GRCh38, chr5:71,634,954, plus strand): 5'-TTATTTTCCTTTTCCCTGTTCTGACAAGTTTAGTTTGCTTATTCTGTAGAAAGTCTGGAG[T>G]AAGTGACCACTGGGCTTTGGATGATCATCATGCCCTTCACTTAACTAGGAAGGTTGTGAG-3'
Protein context (NP_071415.1, residues 262-282): GADLHCRKSG[Val272Gly]SDHWALDDHH

ClinVar aggregate classification (germline): Uncertain significance. Review status: criteria provided, multiple submitters, no conflicts (2 of 4 stars). 3 submissions from 3 submitters: Uncertain significance (2). 1 of the submissions does not count toward it. Last evaluated 2024-07-26.

Conditions:
Methylcrotonyl-CoA carboxylase deficiency. Also called: 3 Methylcrotonylglycinuria; Deficiency of methylcrotonoyl-CoA carboxylase; 3-MCC Deficiency. Identifiers: Orphanet 6, MedGen C4551505, MONDO:0018950.
3-methylcrotonyl-CoA carboxylase 2 deficiency. Also called: METHYLCROTONYLGLYCINURIA, TYPE II; 3 alpha methylcrotonyl-CoA carboxylase 2 deficiency; 3 alpha methylcrotonylglycinuria 2; MCC 2 deficiency; Methylcrotonylglycinuria type 2. Identifiers: Orphanet 6, MedGen C1859499, MONDO:0008862, OMIM 210210.

Allele frequency attached by ClinVar (database versions not stated): gnomAD exomes below 0.00001 and 0.00001; TOPMed below 0.00001.
gnomAD v4.1: 5 of 1,614,074 alleles (0.00031%); highest among the groups gnomAD compares: Non-Finnish European, 0.00042%; no homozygotes.

Submissions (3):

Labcorp Genetics (formerly Invitae), Labcorp
Classification: Uncertain significance for 3-methylcrotonyl-CoA carboxylase 2 deficiency. Last evaluated: 2024-07-26. Review status: criteria provided, single submitter. Criteria: Invitae Variant Classification Sherloc (09022015). Collection method: clinical testing. Allele origin: germline.
Comment: This sequence change replaces valine, which is neutral and non-polar, with glycine, which is neutral and non-polar, at codon 272 of the MCCC2 protein (p.Val272Gly). This variant is present in population databases (no rsID available, gnomAD 0.002%). This missense change has been observed in individual(s) with biochemical features of 3 Methylcrotonyl-CoA carboxylase deficiency (Invitae). In at least one individual the data is consistent with being in trans (on the opposite chromosome) from a pathogenic variant. ClinVar contains an entry for this variant (Variation ID: 499398). Advanced modeling of protein sequence and biophysical properties (such as structural, functional, and spatial information, amino acid conservation, physicochemical variation, residue mobility, and thermodynamic stability) performed at Invitae indicates that this missense variant is expected to disrupt MCCC2 protein function with a positive predictive value of 80%. In summary, the available evidence is currently insufficient to determine the role of this variant in disease. Therefore, it has been classified as a Variant of Uncertain Significance.

Eurofins Ntd Llc (ga)
Classification: Uncertain significance. Last evaluated: 2017-01-06. Review status: criteria provided, single submitter. Criteria: EGL Classification Definitions 2015. Collection method: clinical testing. Allele origin: germline. Observed: 1 variant allele, 1 heterozygote.

Natera, Inc.
Classification: Uncertain significance for 3-methylcrotonylglycinuria. Last evaluated: 2020-09-16. Review status: no assertion criteria provided. Collection method: clinical testing. Allele origin: germline. Not counted in ClinVar's aggregate classification.